The following is an entry in ClinVar:

NM_001378030.1(CCDC78):c.1173G>C (p.Lys391Asn)

Gene: CCDC78 (coiled-coil domain containing 78; minus strand). Cytogenetic location: 16p13.3.
Variant type: single nucleotide variant.
Coding change: c.1173G>C on transcript NM_001378030.1 (MANE Select); coding-DNA position 1173, G replaced by C.
Protein change: p.Lys391Asn; replaces lysine 391 with asparagine.
Molecular consequence: missense variant. On other transcripts: non-coding transcript variant (5).
Genome position (GRCh38, 1-based): chr16:723,122, C>G on the plus strand (G>C on the coding strand, the complement: CCDC78 is on the minus strand). VCF-style: chr16-723122-C-G. GRCh37 (hg19) VCF-style: chr16-773122-C-G.
Other names: c.1173G>C, p.Lys391Asn (NM_001031737.3); c.993G>C, p.Lys331Asn (NM_001378031.1); c.606G>C, p.Lys202Asn (NM_001378033.1); short protein forms K391N, K202N, K331N.
Identifiers: ClinVar variation 451265 (VCV000451265.2), dbSNP rs1257501542, ClinGen allele CA394097919.
Genomic context (GRCh38, chr16:723,122, plus strand): 5'-GAGGATGGGCCTGGGCCAGCCCTTGCCTCCTACCTGGGTGCTGCGGGAGAAGTCCCGGAG[C>G]TTCTGGTGGATCTGGGCCCAGGATGCAGCGTCCAGGCCCCTGTGAGGGGAGAGGAAAGGA-3'
Protein context (NP_001364959.1, residues 381-401): DAASWAQIHQ[Lys391Asn]LRDFSRSTQA

ClinVar aggregate classification (germline): Uncertain significance (1 of 4 stars; one submission).

Submission:

GeneDx
Classification: Uncertain significance. Last evaluated: 2017-08-11. Review status: criteria provided, single submitter. Criteria: GeneDx Variant Classification (06012015). Collection method: clinical testing. Allele origin: germline. Affected: yes.
Comment: The K391N variant in the CCDC78 gene has not been reported previously as a pathogenic variant, nor as a benign variant, to our knowledge. The K391N variant is not observed in large population cohorts (Lek et al., 2016; 1000 Genomes Consortium et al., 2015; Exome Variant Server). The K391N variant is a semi-conservative amino acid substitution, which may impact secondary protein structure as these residues differ in some properties. This substitution occurs at a position that is not conserved. In silico analysis is inconsistent in its predictions as to whether or not the variant is damaging to the protein structure/function. We interpret K391N as a variant of uncertain significance.